The following is an entry in ClinVar:

NM_006506.5(RASA2):c.607T>G (p.Ser203Ala)

Gene: RASA2 (RAS p21 protein activator 2; plus strand). Cytogenetic location: 3q23.
Variant type: single nucleotide variant.
Coding change: c.607T>G on transcript NM_006506.5 (MANE Select); coding-DNA position 607, T replaced by G.
Protein change: p.Ser203Ala; replaces serine 203 with alanine.
Molecular consequence: missense variant.
Genome position (GRCh38, 1-based): chr3:141,553,936, T>G. VCF-style: chr3-141553936-T-G. GRCh37 (hg19) VCF-style: chr3-141272778-T-G.
Other names: c.607T>G, p.Ser203Ala (NM_001303245.3, NM_001303246.3); short protein forms S203A.
Identifiers: ClinVar variation 1407279 (VCV001407279.8), dbSNP rs541055479, ClinGen allele CA2645249.

ClinVar aggregate classification (germline): Uncertain significance (1 of 4 stars; one submission).

Allele frequency attached by ClinVar (database versions not stated): gnomAD 0.00001 and 0.00003; gnomAD exomes 0.00001 and 0.00002; ExAC 0.00002; TOPMed 0.00003; 1000 Genomes Project 0.00020; 1000 Genomes Project 30x 0.00031.
gnomAD v4.1: 28 of 1,607,280 alleles (0.0017%); highest among the groups gnomAD compares: Middle Eastern, 0.017%; no homozygotes.

Submission:

Labcorp Genetics (formerly Invitae), Labcorp
Classification: Uncertain significance. Last evaluated: 2022-06-10. Review status: criteria provided, single submitter. Criteria: Invitae Variant Classification Sherloc (09022015). Collection method: clinical testing. Allele origin: germline.
Comment: Algorithms developed to predict the effect of missense changes on protein structure and function (SIFT, PolyPhen-2, Align-GVGD) all suggest that this variant is likely to be tolerated. This variant has not been reported in the literature in individuals affected with RASA2-related conditions. This variant is present in population databases (rs541055479, gnomAD 0.006%). This sequence change replaces serine, which is neutral and polar, with alanine, which is neutral and non-polar, at codon 203 of the RASA2 protein (p.Ser203Ala). In summary, the available evidence is currently insufficient to determine the role of this variant in disease. Therefore, it has been classified as a Variant of Uncertain Significance.